The following is an entry in ClinVar:

ClinVar aggregate classification (germline): Benign. Review status: criteria provided, multiple submitters, no conflicts (2 of 4 stars). 5 submissions from 5 submitters: Benign (4). 1 of the submissions does not count toward it. Last evaluated 2026-01-28.

Conditions:
Mitochondrial complex III deficiency nuclear type 2. Identifiers: MedGen C3554605, MONDO:0014063, OMIM 615157.

Allele frequency attached by ClinVar (database versions not stated): gnomAD exomes 0.00873; ExAC 0.01091; gnomAD 0.03227 and 0.03420; TOPMed 0.03638; ESP Exome Variant Server 0.04090; 1000 Genomes Project 0.04273; 1000 Genomes Project 30x 0.04560.
gnomAD v4.1: 9,949 of 1,614,054 alleles (0.62%); highest among the groups gnomAD compares: African/African-American, 11%; 488 homozygotes.

Submissions (5):

Labcorp Genetics (formerly Invitae), Labcorp
Classification: Benign. Last evaluated: 2026-01-28. Review status: criteria provided, single submitter. Criteria: Invitae Variant Classification Sherloc (09022015). Collection method: clinical testing. Allele origin: germline.

Illumina Laboratory Services, Illumina
Classification: Benign for Mitochondrial complex III deficiency nuclear type 2. Last evaluated: 2018-01-13. Review status: criteria provided, single submitter. Criteria: ICSL Variant Classification Criteria 13 December 2019. Collection method: clinical testing. Allele origin: germline.
Comment: This variant was observed in the ICSL laboratory as part of a predisposition screen in an ostensibly healthy population. It had not been previously curated by ICSL or reported in the Human Gene Mutation Database (HGMD: prior to June 1st, 2018), and was therefore a candidate for classification through an automated scoring system. Utilizing variant allele frequency, disease prevalence and penetrance estimates, and inheritance mode, an automated score was calculated to assess if this variant is too frequent to cause the disease. Based on the score and internal cut-off values, a variant classified as benign is not then subjected to further curation. The score for this variant resulted in a classification of benign for this disease.

GeneDx
Classification: Benign. Last evaluated: 2012-04-03. Review status: criteria provided, single submitter. Criteria: GeneDx Variant Classification (06012015). Collection method: clinical testing. Allele origin: germline. Affected: yes.
Comment: This variant is considered likely benign or benign based on one or more of the following criteria: it is a conservative change, it occurs at a poorly conserved position in the protein, it is predicted to be benign by multiple in silico algorithms, and/or has population frequency not consistent with disease.

Breakthrough Genomics
Classification: Benign. Review status: criteria provided, single submitter. Criteria: ACMG Guidelines, 2015. Collection method: not provided. Allele origin: germline. Inheritance: Autosomal recessive inheritance. Affected: yes.

Mayo Clinic Laboratories, Mayo Clinic
Classification: Benign. Last evaluated: 2016-03-16. Review status: no assertion criteria provided. Collection method: clinical testing. Allele origin: unknown. Not counted in ClinVar's aggregate classification.

NM_017775.4(TTC19):c.573G>A (p.Ala191=)

Gene: TTC19 (tetratricopeptide repeat domain 19; plus strand). Cytogenetic location: 17p12.
Variant type: single nucleotide variant.
Coding change: c.573G>A on transcript NM_017775.4 (MANE Select); coding-DNA position 573, G replaced by A.
Protein change: p.Ala191=; no amino-acid change (alanine 191 retained).
Molecular consequence: synonymous variant.
Genome position (GRCh38, 1-based): chr17:16,004,254, G>A. VCF-style: chr17-16004254-G-A. GRCh37 (hg19) VCF-style: chr17-15907568-G-A.
Other names: p.A312A:GCG>GCA; c.252G>A, p.Ala84= (NM_001271420.2).
Identifiers: ClinVar variation 137767 (VCV000137767.17), dbSNP rs58517927, ClinGen allele CA291427.